The following is an entry in ClinVar:

ClinVar aggregate classification (germline): Uncertain significance (1 of 4 stars; one submission).

gnomAD v4.1: 3 of 1,590,844 alleles (0.00019%); highest among the groups gnomAD compares: Non-Finnish European, 0.00026%; no homozygotes.

Submission:

Labcorp Genetics (formerly Invitae), Labcorp
Classification: Uncertain significance. Last evaluated: 2025-03-12. Review status: criteria provided, single submitter. Criteria: Invitae Variant Classification Sherloc (09022015). Collection method: clinical testing. Allele origin: germline.
Comment: This sequence change replaces glycine, which is neutral and non-polar, with aspartic acid, which is acidic and polar, at codon 2754 of the DCHS1 protein (p.Gly2754Asp). The frequency data for this variant in the population databases is considered unreliable, as metrics indicate poor data quality at this position in the gnomAD database. This variant has not been reported in the literature in individuals affected with DCHS1-related conditions. Invitae Evidence Modeling of protein sequence and biophysical properties (such as structural, functional, and spatial information, amino acid conservation, physicochemical variation, residue mobility, and thermodynamic stability) indicates that this missense variant is not expected to disrupt DCHS1 protein function with a negative predictive value of 95%. In summary, the available evidence is currently insufficient to determine the role of this variant in disease. Therefore, it has been classified as a Variant of Uncertain Significance.

NM_003737.4(DCHS1):c.8261G>A (p.Gly2754Asp)

Gene: DCHS1 (dachsous cadherin-related 1; minus strand). Cytogenetic location: 11p15.4.
Variant type: single nucleotide variant.
Coding change: c.8261G>A on transcript NM_003737.4 (MANE Select); coding-DNA position 8261, G replaced by A.
Protein change: p.Gly2754Asp; replaces glycine 2754 with aspartic acid.
Molecular consequence: missense variant.
Genome position (GRCh38, 1-based): chr11:6,623,415, C>T on the plus strand (G>A on the coding strand, the complement: DCHS1 is on the minus strand). VCF-style: chr11-6623415-C-T. GRCh37 (hg19) VCF-style: chr11-6644646-C-T.
Other names: short protein forms G2754D.
Identifiers: ClinVar variation 4803242 (VCV004803242.1).